The following is an entry in ClinVar:

ClinVar aggregate classification (germline): Uncertain significance (1 of 4 stars; one submission).

Conditions:
Hereditary cancer-predisposing syndrome. Also called: Hereditary Cancer Syndrome; Hereditary neoplastic syndrome; Neoplastic Syndromes, Hereditary; Tumor predisposition. Identifiers: Orphanet 140162, MedGen C0027672, MeSH D009386, MONDO:0015356.

Submission:

Ambry Genetics
Classification: Uncertain significance for Hereditary cancer-predisposing syndrome. Last evaluated: 2025-03-26. Review status: criteria provided, single submitter. Criteria: Ambry Variant Classification Scheme 2023. Collection method: clinical testing. Allele origin: germline.
Comment: The p.P1420H variant (also known as c.4259C>A), located in coding exon 15 of the APC gene, results from a C to A substitution at nucleotide position 4259. The proline at codon 1420 is replaced by histidine, an amino acid with similar properties. This amino acid position is conserved. In addition, in silico predictors for this gene do not accurately predict pathogenicity. Based on the available evidence, the clinical significance of this variant remains unclear.

NM_000038.6(APC):c.4259C>A (p.Pro1420His)

Gene: APC (APC regulator of Wnt signaling pathway; plus strand). Cytogenetic location: 5q22.2.
Variant type: single nucleotide variant.
Coding change: c.4259C>A on transcript NM_000038.6 (MANE Select); coding-DNA position 4259, C replaced by A.
Protein change: p.Pro1420His; replaces proline 1420 with histidine.
Molecular consequence: missense variant. On other transcripts: non-coding transcript variant (2).
Genome position (GRCh38, 1-based): chr5:112,839,853, C>A. VCF-style: chr5-112839853-C-A. GRCh37 (hg19) VCF-style: chr5-112175550-C-A.
Other names: c.4259C>A, p.Pro1420His (NM_001127510.3, NM_001354895.2, NM_001407450.1); c.4205C>A, p.Pro1402His (NM_001127511.3); c.4313C>A, p.Pro1438His (NM_001354896.2, NM_001407447.1, NM_001407448.1 and 1 more transcripts); c.4289C>A, p.Pro1430His (NM_001354897.2); c.4184C>A, p.Pro1395His (NM_001354898.2); c.4175C>A, p.Pro1392His (NM_001354899.2); c.4136C>A, p.Pro1379His (NM_001354900.2); c.4082C>A, p.Pro1361His (NM_001354901.2, NM_001407453.1); and 11 more; short protein forms P1260H, P1395H, P1410H, P1430H, P1438H, P1337H, P1379H, P1402H.
Identifiers: ClinVar variation 3928191 (VCV003928191.1).
Genomic context (GRCh38, chr5:112,839,853, plus strand): 5'-CGATTGCCAGCTCCGTTCAGAGTGAACCATGCAGTGGAATGGTAAGTGGCATTATAAGCC[C>A]CAGTGATCTTCCAGATAGCCCTGGACAAACCATGCCACCAAGCAGAAGTAAAACACCTCC-3'
Protein context (NP_000029.2, residues 1410-1430): CSGMVSGIIS[Pro1420His]SDLPDSPGQT